The following is an entry in ClinVar:

ClinVar aggregate classification (germline): Benign/Likely benign. Review status: criteria provided, multiple submitters, no conflicts (2 of 4 stars). 3 submissions from 3 submitters: Benign (1); Likely benign (1). 1 of the submissions does not count toward it. Last evaluated 2026-08-01.

Conditions:
FOCAD-related disorder. Also called: FOCAD-related condition.

Allele frequency attached by ClinVar (database versions not stated): ExAC 0.00109; 1000 Genomes Project 0.00319; gnomAD 0.00322; ESP Exome Variant Server 0.00346; 1000 Genomes Project 30x 0.00375; TOPMed 0.00383.
gnomAD v4.1: 946 of 1,613,894 alleles (0.059%); highest among the groups gnomAD compares: African/African-American, 1.1%; 1 homozygote.

Submissions (3):

CeGaT Center for Human Genetics Tuebingen
Classification: Likely benign. Last evaluated: 2026-08-01. Review status: criteria provided, single submitter. Criteria: CeGaT Center For Human Genetics Tuebingen Variant Classification Criteria Version 2. Collection method: clinical testing. Allele origin: germline. Affected: yes. Observed: 3 variant alleles.
Comment: FOCAD: BS1

Labcorp Genetics (formerly Invitae), Labcorp
Classification: Benign. Last evaluated: 2026-01-27. Review status: criteria provided, single submitter. Criteria: Invitae Variant Classification Sherloc (09022015). Collection method: clinical testing. Allele origin: germline.

PreventionGenetics, part of Exact Sciences
Classification: Benign for FOCAD-related condition. Last evaluated: 2019-06-17. Review status: no assertion criteria provided. Collection method: clinical testing. Allele origin: germline. Not counted in ClinVar's aggregate classification.
Comment: This variant is classified as benign based on ACMG/AMP sequence variant interpretation guidelines (Richards et al. 2015 PMID: 25741868, with internal and published modifications).

NM_001375567.1(FOCAD):c.1393G>A (p.Gly465Arg)

Gene: FOCAD (focadhesin; plus strand). Cytogenetic location: 9p21.3.
Variant type: single nucleotide variant.
Coding change: c.1393G>A on transcript NM_001375567.1 (MANE Select); coding-DNA position 1393, G replaced by A.
Protein change: p.Gly465Arg; replaces glycine 465 with arginine.
Molecular consequence: missense variant.
Genome position (GRCh38, 1-based): chr9:20,789,546, G>A. VCF-style: chr9-20789546-G-A. GRCh37 (hg19) VCF-style: chr9-20789545-G-A.
Other names: c.1393G>A (NM_017794.4); c.1393G>A, p.Gly465Arg (NM_001375568.1, NM_017794.5); c.1288G>A, p.Gly430Arg (NM_001375570.1); short protein forms G430R, G465R.
Identifiers: ClinVar variation 2734696 (VCV002734696.12), dbSNP rs112541381, ClinGen allele CA5006691.